The following is an entry in ClinVar:

ClinVar aggregate classification (germline): Pathogenic. Review status: criteria provided, multiple submitters, no conflicts (2 of 4 stars). 2 submissions from 2 submitters: Pathogenic (2). Last evaluated 2020-03-05.

Conditions:
Hereditary nonpolyposis colorectal neoplasms. Identifiers: MedGen C0009405, MeSH D003123.
Hereditary cancer-predisposing syndrome. Also called: Tumor predisposition; Hereditary neoplastic syndrome; Neoplastic Syndromes, Hereditary; Hereditary Cancer Syndrome. Identifiers: Orphanet 140162, MedGen C0027672, MeSH D009386, MONDO:0015356.

Submissions (2):

Labcorp Genetics (formerly Invitae), Labcorp
Classification: Pathogenic for Hereditary nonpolyposis colorectal neoplasms. Last evaluated: 2020-03-05. Review status: criteria provided, single submitter. Criteria: Invitae Variant Classification Sherloc (09022015). Collection method: clinical testing. Allele origin: germline.
Comment: For these reasons, this variant has been classified as Pathogenic. Loss-of-function variants in PMS2 are known to be pathogenic (PMID: 21376568, 24362816). This variant has not been reported in the literature in individuals with PMS2-related conditions. This variant is not present in population databases (ExAC no frequency). This sequence change creates a premature translational stop signal (p.Arg151Profs*21) in the PMS2 gene. It is expected to result in an absent or disrupted protein product.

Ambry Genetics
Classification: Pathogenic for Hereditary cancer-predisposing syndrome. Last evaluated: 2019-02-17. Review status: criteria provided, single submitter. Criteria: Ambry Variant Classification Scheme 2023. Collection method: clinical testing. Allele origin: germline.
Comment: The c.451dupC pathogenic mutation, located in coding exon 5 of the PMS2 gene, results from a duplication of C at nucleotide position 451, causing a translational frameshift with a predicted alternate stop codon (p.R151Pfs*21). This alteration is expected to result in loss of function by premature protein truncation or nonsense-mediated mRNA decay. As such, this alteration is interpreted as a disease-causing mutation.

Literature cited by the submitters: PubMed 21376568 (cited by Labcorp Genetics (formerly Invitae), Labcorp); PubMed 24362816 (cited by Labcorp Genetics (formerly Invitae), Labcorp).

NM_000535.7(PMS2):c.451dup (p.Arg151fs)

Gene: PMS2 (PMS1 homolog 2, mismatch repair system component; minus strand). Cytogenetic location: 7p22.1.
Variant type: Duplication.
Coding change: c.451dup on transcript NM_000535.7 (MANE Select); coding-DNA position 451, one base duplicated (C; older notation c.451dupC).
Protein change: p.Arg151fs; shifts the reading frame from arginine 151.
Molecular consequence: frameshift variant. On other transcripts: 5 prime UTR variant (2), non-coding transcript variant (1).
Genome position (GRCh38, 1-based): chr7:6,002,539, G duplicated on the plus strand (C on the coding strand, the reverse complement: PMS2 is on the minus strand); the first of 5 consecutive G bases (chr7:6,002,539-6,002,543); duplicating any one gives the same sequence. VCF-style (leftmost placement, unchanged base first): chr7-6002538-C-CG. GRCh37 (hg19) VCF-style: chr7-6042169-C-CG.
Other names: c.46dup, p.Arg16fs (NM_001322003.2, NM_001322004.2, NM_001322005.2 and 3 more transcripts); c.451dup, p.Arg151fs (NM_001322006.2, NM_001322014.2); c.133dup, p.Arg45fs (NM_001322007.2, NM_001322008.2); c.-434dup (NM_001322011.2, NM_001322012.2); c.142dup, p.Arg48fs (NM_001322015.2); short protein forms R151fs, R16fs, R45fs, R48fs.
Identifiers: ClinVar variation 1071219 (VCV001071219.9), dbSNP rs1562689635, ClinGen allele CA2499218979.